The following is an entry in ClinVar:

ClinVar aggregate classification (germline): Conflicting classifications of pathogenicity. Review status: criteria provided, conflicting classifications (1 of 4 stars). 2 submissions from 2 submitters: Likely pathogenic (1); Uncertain significance (1). Last evaluated 2025-05-11.

Conditions:
H syndrome. Also called: HISTIOCYTOSIS AND LYMPHADENOPATHY WITH OR WITHOUT CUTANEOUS, CARDIAC, AND/OR ENDOCRINE FEATURES, JOINT CONTRACTURES, AND/OR DEAFNESS; HYPERPIGMENTATION, CUTANEOUS, WITH HYPERTRICHOSIS, HEPATOSPLENOMEGALY, HEART ANOMALIES, AND HYPOGONADISM WITH OR WITHOUT HEARING LOSS; PIGMENTED HYPERTRICHOSIS WITH INSULIN-DEPENDENT DIABETES MELLITUS; ROSAI-DORFMAN DISEASE, FAMILIAL; SINUS HISTIOCYTOSIS AND MASSIVE LYMPHADENOPATHY; Hyperpigmentation, Cutaneous, with Hypertrichosis, Hepatosplenomegaly, Heart Anomalies, Hearing Loss, and Hypogonadism. Identifiers: Orphanet 168569, MedGen C1864445, MONDO:0011273, OMIM 602782.

Allele frequency attached by ClinVar (database versions not stated): ExAC 0.00002; gnomAD exomes 0.00002; gnomAD 0.00003; TOPMed 0.00005.

Submissions (2):

Labcorp Genetics (formerly Invitae), Labcorp
Classification: Uncertain significance for H syndrome. Last evaluated: 2025-05-11. Review status: criteria provided, single submitter. Criteria: Invitae Variant Classification Sherloc (09022015). Collection method: clinical testing. Allele origin: germline.
Comment: This sequence change replaces glycine, which is neutral and non-polar, with arginine, which is basic and polar, at codon 209 of the SLC29A3 protein (p.Gly209Arg). This variant is present in population databases (rs779712924, gnomAD 0.01%). This missense change has been observed in individual(s) with H syndrome (PMID: 26074390). ClinVar contains an entry for this variant (Variation ID: 1413440). Invitae Evidence Modeling of protein sequence and biophysical properties (such as structural, functional, and spatial information, amino acid conservation, physicochemical variation, residue mobility, and thermodynamic stability) has been performed for this missense variant. However, the output from this modeling did not meet the statistical confidence thresholds required to predict the impact of this variant on SLC29A3 protein function. In summary, the available evidence is currently insufficient to determine the role of this variant in disease. Therefore, it has been classified as a Variant of Uncertain Significance.

Juno Genomics, Hangzhou Juno Genomics, Inc
Classification: Likely pathogenic for H syndrome. Review status: criteria provided, single submitter. Criteria: ACMG Guidelines, 2015. Collection method: clinical testing. Allele origin: germline. Affected: yes.
Comment: Absent from controls (or at extremely low frequency if recessive) in Genome Aggregation Database, Exome Sequencing Project, 1000 Genomes Project, or Exome Aggregation Consortium.;Multiple lines of computational evidence support a deleterious effect on the gene or gene product (conservation, evolutionary, splicing impact, etc).;For recessive disorders, detected in trans with a pathogenic variant.;Patient's phenotype or family history is highly specific for a disease with a single genetic etiology.

Literature cited by the submitters: PubMed 26074390 (cited by Labcorp Genetics (formerly Invitae), Labcorp).

NM_018344.6(SLC29A3):c.625G>A (p.Gly209Arg)

Gene: SLC29A3 (solute carrier family 29 member 3; plus strand). Cytogenetic location: 10q22.1.
Variant type: single nucleotide variant.
Coding change: c.625G>A on transcript NM_018344.6 (MANE Select); coding-DNA position 625, G replaced by A.
Protein change: p.Gly209Arg; replaces glycine 209 with arginine.
Molecular consequence: missense variant. On other transcripts: non-coding transcript variant (2).
Genome position (GRCh38, 1-based): chr10:71,356,095, G>A. VCF-style: chr10-71356095-G-A. GRCh37 (hg19) VCF-style: chr10-73115852-G-A.
Other names: c.625G>A, p.Gly209Arg (NM_001174098.2); c.391G>A, p.Gly131Arg (NM_001363518.2); short protein forms G131R, G209R.
Identifiers: ClinVar variation 1413440 (VCV001413440.9), dbSNP rs779712924, ClinGen allele CA5543001.